The following is an entry in ClinVar:

ClinVar aggregate classification (germline): Conflicting classifications of pathogenicity. Review status: criteria provided, conflicting classifications (1 of 4 stars). 4 submissions from 4 submitters: Likely pathogenic (1); Uncertain significance (3). Last evaluated 2025-02-05.

Conditions:
Arthrogryposis multiplex congenita (AMC). Also called: Congenital multiple arthrogryposis; Fibrous ankylosis of multiple joints; Congenital arthromyodysplasia; Myodystrophia fetalis deformans; Otto syndrome; Rocher-Sheldon syndrome. Identifiers: Orphanet 1037, MedGen C5779613, MeSH D001176, MONDO:0015168, HP:0002804.
Fetal akinesia deformation sequence 1 (FADS1). Also called: Pena-Shokeir syndrome type I; Fetal akinesia sequence. Identifiers: Orphanet 994, MedGen C1276035, MONDO:0100101, OMIM 208150, HP:0001989.

Allele frequency attached by ClinVar (database versions not stated): ExAC 0.00014; TOPMed 0.00014; ESP Exome Variant Server 0.00015; gnomAD exomes 0.00017.
gnomAD v4.1: 216 of 1,612,704 alleles (0.013%); highest among the groups gnomAD compares: Non-Finnish European, 0.017%; no homozygotes.

Submissions (4):

Labcorp Genetics (formerly Invitae), Labcorp
Classification: Uncertain significance. Last evaluated: 2025-02-05. Review status: criteria provided, single submitter. Criteria: Invitae Variant Classification Sherloc (09022015). Collection method: clinical testing. Allele origin: germline.
Comment: This sequence change replaces isoleucine, which is neutral and non-polar, with valine, which is neutral and non-polar, at codon 270 of the ROR2 protein (p.Ile270Val). This variant is present in population databases (rs145631389, gnomAD 0.03%). This missense change has been observed in individual(s) with clinical features of Robinow syndrome (PMID: 31680123). ClinVar contains an entry for this variant (Variation ID: 498455). Invitae Evidence Modeling of protein sequence and biophysical properties (such as structural, functional, and spatial information, amino acid conservation, physicochemical variation, residue mobility, and thermodynamic stability) indicates that this missense variant is not expected to disrupt ROR2 protein function with a negative predictive value of 80%. In summary, the available evidence is currently insufficient to determine the role of this variant in disease. Therefore, it has been classified as a Variant of Uncertain Significance.

GeneDx
Classification: Uncertain significance. Last evaluated: 2022-12-18. Review status: criteria provided, single submitter. Criteria: GeneDx Variant Classification Process June 2021. Collection method: clinical testing. Allele origin: germline. Affected: yes.
Comment: In silico analysis supports that this missense variant does not alter protein structure/function; This variant is associated with the following publications: (PMID: 34426522, 31680123)

Cirak Lab, University Hospital Cologne
Classification: Likely pathogenic for Arthrogryposis multiplex congenita; Fetal akinesia sequence. Last evaluated: 2019-06-28. Review status: criteria provided, single submitter. Criteria: ACMG Guidelines, 2015. Collection method: research. Allele origin: maternal. Affected: yes. Observed: 1 variant allele.

Eurofins Ntd Llc (ga)
Classification: Uncertain significance. Last evaluated: 2016-12-27. Review status: criteria provided, single submitter. Criteria: EGL Classification Definitions 2015. Collection method: clinical testing. Allele origin: germline. Observed: 1 variant allele, 1 heterozygote.

Literature cited by the submitters: PubMed 31680123 (cited by Labcorp Genetics (formerly Invitae), Labcorp and Cirak Lab, University Hospital Cologne).

NM_004560.4(ROR2):c.808A>G (p.Ile270Val)

Gene: ROR2 (receptor tyrosine kinase like orphan receptor 2; minus strand). Cytogenetic location: 9q22.31.
Variant type: single nucleotide variant.
Coding change: c.808A>G on transcript NM_004560.4 (MANE Select); coding-DNA position 808, A replaced by G.
Protein change: p.Ile270Val; replaces isoleucine 270 with valine.
Molecular consequence: missense variant.
Genome position (GRCh38, 1-based): chr9:91,733,251, T>C on the plus strand (A>G on the coding strand, the complement: ROR2 is on the minus strand). VCF-style: chr9-91733251-T-C. GRCh37 (hg19) VCF-style: chr9-94495533-T-C.
Other names: c.808A>G, p.Ile270Val (NM_001318204.2); short protein forms I270V.
Identifiers: ClinVar variation 498455 (VCV000498455.19), dbSNP rs145631389, ClinGen allele CA5120886.